The following is an entry in ClinVar:

ClinVar aggregate classification (germline): Conflicting classifications of pathogenicity. Review status: criteria provided, conflicting classifications (1 of 4 stars). 4 submissions from 4 submitters: Uncertain significance (3); Likely benign (1). Last evaluated 2025-06-19.

Conditions:
Marfan syndrome (MFS). Also called: MARFAN SYNDROME, TYPE I; FBN1-Related Marfan Syndrome; Marfan syndrome type 1; Marfan's syndrome; Marfan syndrome, classic. Identifiers: Orphanet 284963, Orphanet 558, MedGen C0024796, MONDO:0007947, OMIM 154700.
Familial thoracic aortic aneurysm and aortic dissection (TAAD). Also called: Thoracic aortic aneurysms and dissections. Identifiers: Orphanet 91387, MedGen C4707243, MONDO:0019625.

gnomAD v4.1: 2 of 1,614,120 alleles (0.00012%); highest among the groups gnomAD compares: Non-Finnish European, 0.00017%; no homozygotes.

Submissions (4):

Color Diagnostics, LLC DBA Color Health
Classification: Uncertain significance for Familial thoracic aortic aneurysm and aortic dissection. Last evaluated: 2025-06-19. Review status: criteria provided, single submitter. Criteria: ACMG Guidelines, 2015. Collection method: clinical testing. Allele origin: germline.
Comment: This missense variant replaces valine with leucine at codon 1436 of the FBN1 protein. Computational prediction suggests that this variant may not impact protein structure and function. To our knowledge, functional studies have not been reported for this variant. This variant has not been reported in individuals affected with FBN1-related disorders in the literature. This variant has been identified in 2/251344 chromosomes in the general population by the Genome Aggregation Database (gnomAD). The available evidence is insufficient to determine the role of this variant in disease conclusively. Therefore, this variant is classified as a Variant of Uncertain Significance.

Labcorp Genetics (formerly Invitae), Labcorp
Classification: Likely benign for Marfan syndrome; Familial thoracic aortic aneurysm and aortic dissection. Last evaluated: 2024-01-29. Review status: criteria provided, single submitter. Criteria: Invitae Variant Classification Sherloc (09022015). Collection method: clinical testing. Allele origin: germline.

All of Us Research Program, National Institutes of Health
Classification: Uncertain significance for Marfan syndrome. Last evaluated: 2023-12-07. Review status: criteria provided, single submitter. Criteria: ACMG Guidelines, 2015. Collection method: clinical testing. Allele origin: germline. Inheritance: Autosomal dominant inheritance. Observed: 1 variant allele, 1 heterozygote.
Comment: This missense variant replaces valine with leucine at codon 1436 of the FBN1 protein. Computational prediction suggests that this variant may not impact protein structure and function (internally defined REVEL score threshold <= 0.5, PMID: 27666373). Splice site prediction tools suggest that this variant may not impact RNA splicing. To our knowledge, functional studies have not been reported for this variant. This variant has not been reported in individuals affected with cardiovascular disorders in the literature. This variant has been identified in 2/251344 chromosomes in the general population by the Genome Aggregation Database (gnomAD). The available evidence is insufficient to determine the role of this variant in disease conclusively. Therefore, this variant is classified as a Variant of Uncertain Significance.

This study involves interpretation of variants in research participants for the purpose of population health screening. Participant phenotype was not available at the time of variant classification. Additional details can be found in publication PMID: 35346344, PMCID: PMC8962531

GeneDx
Classification: Uncertain significance. Last evaluated: 2017-10-19. Review status: criteria provided, single submitter. Criteria: GeneDx Variant Classification (06012015). Collection method: clinical testing. Allele origin: germline. Affected: yes.
Comment: The V1436L variant in the FBN1 gene has not been reported previously as a pathogenic variant, nor as a benign variant, to our knowledge. This variant is not observed in large population cohorts (Lek et al., 2016; 1000 Genomes Consortium et al., 2015; Exome Variant Server). The V1436L variant is a conservative amino acid substitution, which is not likely to impact secondary protein structure as these residues share similar properties. This substitution occurs at a position where amino acids with similar properties to Valine are tolerated across species. In silico analysis is inconsistent in its predictions as to whether or not the variant is damaging to the protein structure/function. We interpret V1436L as a variant of uncertain significance.

NM_000138.5(FBN1):c.4306G>T (p.Val1436Leu)

Genes: FBN1 (fibrillin 1; minus strand), LOC126862124 (CDK7 strongly-dependent group 2 enhancer GRCh37_chr15:48764566-48765765; plus strand). Cytogenetic location: 15q21.1.
Variant type: single nucleotide variant.
Coding change: c.4306G>T on transcript NM_000138.5 (MANE Select); coding-DNA position 4306, G replaced by T.
Protein change: p.Val1436Leu; replaces valine 1436 with leucine.
Molecular consequence: missense variant.
Genome position (GRCh38, 1-based): chr15:48,472,581, C>A on the plus strand (G>T on the coding strand, the complement: FBN1 is on the minus strand). VCF-style: chr15-48472581-C-A. GRCh37 (hg19) VCF-style: chr15-48764778-C-A.
Other names: short protein forms V1436L.
Identifiers: ClinVar variation 426624 (VCV000426624.10), dbSNP rs377338217, ClinGen allele CA392317608.